The following is an entry in ClinVar:

NM_000016.6(ACADM):c.514A>G (p.Ile172Val)

Gene: ACADM (acyl-CoA dehydrogenase medium chain; plus strand). Cytogenetic location: 1p31.1.
Variant type: single nucleotide variant.
Coding change: c.514A>G on transcript NM_000016.6 (MANE Select); coding-DNA position 514, A replaced by G.
Protein change: p.Ile172Val; replaces isoleucine 172 with valine.
Molecular consequence: missense variant. On other transcripts: 5 prime UTR variant (1).
Genome position (GRCh38, 1-based): chr1:75,740,025, A>G. VCF-style: chr1-75740025-A-G. GRCh37 (hg19) VCF-style: chr1-76205710-A-G.
Other names: c.526A>G, p.Ile176Val (NM_001127328.3); c.406A>G, p.Ile136Val (NM_001286042.2); c.613A>G, p.Ile205Val (NM_001286043.2); c.-54A>G (NM_001286044.2); short protein forms I136V, I172V, I176V, I205V.
Identifiers: ClinVar variation 1303726 (VCV001303726.2), dbSNP rs1179642524, ClinGen allele CA340815020.
Genomic context (GRCh38, chr1:75,740,025, plus strand): 5'-TTTTATATATTCAAGGCTTATTGTGTAACAGAACCTGGAGCAGGCTCTGATGTAGCTGGT[A>G]TAAAGACCAAAGCAGAAAAGAAAGGAGATGAGTATATTATTAATGGTCAGAAGATGTGGA-3'
Protein context (NP_000007.1, residues 162-182): EPGAGSDVAG[Ile172Val]KTKAEKKGDE

ClinVar aggregate classification (germline): Uncertain significance (1 of 4 stars; one submission).

Allele frequency attached by ClinVar (database versions not stated): gnomAD exomes below 0.00001; TOPMed below 0.00001; gnomAD 0.00001.
gnomAD v4.1: 15 of 1,612,914 alleles (0.00093%); highest among the groups gnomAD compares: South Asian, 0.0033%; no homozygotes.

Submission:

GeneDx
Classification: Uncertain significance. Last evaluated: 2020-04-08. Review status: criteria provided, single submitter. Criteria: GeneDx Variant Classification Process June 2021. Collection method: clinical testing. Allele origin: germline. Affected: yes.
Comment: Not observed at a significant frequency in large population cohorts (Lek et al., 2016); Missense variants in this gene are often considered pathogenic (Stenson et al., 2014); In silico analysis supports that this missense variant does not alter protein structure/function; Has not been previously published as pathogenic or benign to our knowledge